The following is an entry in ClinVar:

NM_025103.4(IFT74):c.1797A>G (p.Gly599=)

Gene: IFT74 (intraflagellar transport 74; plus strand). Cytogenetic location: 9p21.2.
Variant type: single nucleotide variant.
Coding change: c.1797A>G on transcript NM_025103.4 (MANE Select); coding-DNA position 1797, A replaced by G.
Protein change: p.Gly599=; no amino-acid change (glycine 599 retained).
Molecular consequence: synonymous variant. On other transcripts: 3 prime UTR variant (1).
Genome position (GRCh38, 1-based): chr9:27,062,730, A>G. VCF-style: chr9-27062730-A-G. GRCh37 (hg19) VCF-style: chr9-27062728-A-G.
Other names: c.1797A>G, p.Gly599= (NM_001099223.3, NM_001099222.3); c.*733A>G (NM_001349928.2); c.1797A>G (NM_025103.2).
Identifiers: ClinVar variation 2976592 (VCV002976592.4), dbSNP rs1457226117, ClinGen allele CA464151807.

ClinVar aggregate classification (germline): Likely benign. Review status: criteria provided, single submitter (1 of 4 stars). 2 submissions from 2 submitters: Likely benign (1). 1 of the submissions does not count toward it. Last evaluated 2025-01-07.

Conditions:
IFT74-related disorder. Also called: IFT74-Related Disorders; IFT74-related condition.

Allele frequency attached by ClinVar (database versions not stated): gnomAD exomes 0.00001; TOPMed 0.00001.
gnomAD v4.1: 18 of 1,554,852 alleles (0.0012%); highest among the groups gnomAD compares: Non-Finnish European, 0.0015%; no homozygotes.

Submissions (2):

Labcorp Genetics (formerly Invitae), Labcorp
Classification: Likely benign. Last evaluated: 2025-01-07. Review status: criteria provided, single submitter. Criteria: Invitae Variant Classification Sherloc (09022015). Collection method: clinical testing. Allele origin: germline.

PreventionGenetics, part of Exact Sciences
Classification: Likely benign for IFT74-related condition. Last evaluated: 2021-04-19. Review status: no assertion criteria provided. Collection method: clinical testing. Allele origin: germline. Not counted in ClinVar's aggregate classification.
Comment: This variant is classified as likely benign based on ACMG/AMP sequence variant interpretation guidelines (Richards et al. 2015 PMID: 25741868, with internal and published modifications).